The following is an entry in ClinVar:

NM_000939.4(POMC):c.668T>C (p.Met223Thr)

Gene: POMC (proopiomelanocortin; minus strand). Cytogenetic location: 2p23.3.
Variant type: single nucleotide variant.
Coding change: c.668T>C on transcript NM_000939.4 (MANE Select); coding-DNA position 668, T replaced by C.
Protein change: p.Met223Thr; replaces methionine 223 with threonine.
Molecular consequence: missense variant.
Genome position (GRCh38, 1-based): chr2:25,161,217, A>G on the plus strand (T>C on the coding strand, the complement: POMC is on the minus strand). VCF-style: chr2-25161217-A-G. GRCh37 (hg19) VCF-style: chr2-25384086-A-G.
Other names: c.668T>C, p.Met223Thr (NM_001035256.3, NM_001319204.2, NM_001319205.2); short protein forms M223T.
Identifiers: ClinVar variation 2628923 (VCV002628923.4), dbSNP rs150343979, ClinGen allele CA1555240.

ClinVar aggregate classification (germline): Uncertain significance (1 of 4 stars; one submission).

Conditions:
POMC-related disorder. Also called: POMC-related condition; POMC-related disorders.

Allele frequency attached by ClinVar (database versions not stated): ESP Exome Variant Server 0.00023; gnomAD exomes 0.00002; ExAC 0.00003; gnomAD 0.00014; TOPMed 0.00015.

Submission:

PreventionGenetics, part of Exact Sciences
Classification: Uncertain significance for POMC-related condition. Last evaluated: 2026-08-14. Review status: criteria provided, single submitter. Criteria: ACMG Guidelines, 2015. Collection method: clinical testing. Allele origin: germline.
Comment: The POMC c.668T>C variant is predicted to result in the amino acid substitution p.Met223Thr. This variant was reported in the heterozygous state in a patient with severe obesity (Courbage et al. 2021. PubMed ID: 34097736). It was also observed in a cohort of obese individuals, and in vitro functional studies show strong evidence of loss of function (Table 3 and Supplemental Data Set, Shah et al. 2023. PubMed ID: 36864747). This variant is reported in 0.052% of alleles in individuals of African descent in gnomAD. Although we suspect that this variant may be pathogenic, at this time, the clinical significance of this variant is uncertain due to the absence of conclusive functional and genetic evidence.